The following is an entry in ClinVar:

NM_001105206.3(LAMA4):c.2215G>A (p.Glu739Lys)

Gene: LAMA4 (laminin subunit alpha 4; minus strand). Cytogenetic location: 6q21.
Variant type: single nucleotide variant.
Coding change: c.2215G>A on transcript NM_001105206.3 (MANE Select); coding-DNA position 2215, G replaced by A.
Protein change: p.Glu739Lys; replaces glutamic acid 739 with lysine.
Molecular consequence: missense variant.
Genome position (GRCh38, 1-based): chr6:112,148,295, C>T on the plus strand (G>A on the coding strand, the complement: LAMA4 is on the minus strand). VCF-style: chr6-112148295-C-T. GRCh37 (hg19) VCF-style: chr6-112469497-C-T.
Other names: c.2194G>A, p.Glu732Lys (NM_001105207.3, NM_002290.5); c.2194G>A (NM_002290.4); short protein forms E732K, E739K.
Identifiers: ClinVar variation 179538 (VCV000179538.15), dbSNP rs727504935, ClinGen allele CA184626.

ClinVar aggregate classification (germline): Uncertain significance. Review status: criteria provided, multiple submitters, no conflicts (2 of 4 stars). 4 submissions from 4 submitters: Uncertain significance (3). 1 of the submissions does not count toward it. Last evaluated 2024-10-25.

Conditions:
LAMA4-related disorder. Also called: LAMA4-related condition.
Cardiovascular phenotype. Identifiers: MedGen CN230736.
Dilated cardiomyopathy 1JJ (CMD1JJ). Identifiers: Orphanet 154, MedGen C3808935, MONDO:0014095, OMIM 615235.

Allele frequency attached by ClinVar (database versions not stated): gnomAD 0.00001; TOPMed 0.00002; ExAC 0.00003.
gnomAD v4.1: 9 of 1,614,050 alleles (0.00056%); highest among the groups gnomAD compares: African/African-American, 0.0027%; no homozygotes.

Submissions (4):

Ambry Genetics
Classification: Uncertain significance for Cardiovascular phenotype. Last evaluated: 2024-10-25. Review status: criteria provided, single submitter. Criteria: Ambry Variant Classification Scheme 2023. Collection method: clinical testing. Allele origin: germline.
Comment: The p.E732K variant (also known as c.2194G>A), located in coding exon 17 of the LAMA4 gene, results from a G to A substitution at nucleotide position 2194. The glutamic acid at codon 732 is replaced by lysine, an amino acid with similar properties. This amino acid position is conserved. In addition, this alteration is predicted to be tolerated by in silico analysis. Since supporting evidence is limited at this time, the clinical significance of this alteration remains unclear.

Labcorp Genetics (formerly Invitae), Labcorp
Classification: Uncertain significance for Dilated cardiomyopathy 1JJ. Last evaluated: 2021-04-10. Review status: criteria provided, single submitter. Criteria: Invitae Variant Classification Sherloc (09022015). Collection method: clinical testing. Allele origin: germline.
Comment: In summary, the available evidence is currently insufficient to determine the role of this variant in disease. Therefore, it has been classified as a Variant of Uncertain Significance. Algorithms developed to predict the effect of missense changes on protein structure and function (SIFT, PolyPhen-2, Align-GVGD) all suggest that this variant is likely to be tolerated, but these predictions have not been confirmed by published functional studies and their clinical significance is uncertain. This variant has not been reported in the literature in individuals with LAMA4-related conditions. ClinVar contains an entry for this variant (Variation ID: 179538). This variant is present in population databases (rs727504935, ExAC 0.01%). This sequence change replaces glutamic acid with lysine at codon 732 of the LAMA4 protein (p.Glu732Lys). The glutamic acid residue is highly conserved and there is a small physicochemical difference between glutamic acid and lysine.

Laboratory for Molecular Medicine, Mass General Brigham Personalized Medicine
Classification: Uncertain significance. Last evaluated: 2014-01-21. Review status: criteria provided, single submitter. Criteria: LMM Criteria. Collection method: clinical testing. Allele origin: germline. Observed: 1 variant allele.
Comment: The Glu732Lys variant in LAMA4 has not been previously reported in individuals w ith cardiomyopathy or in large population studies. Computational analyses (bioch emical amino acid properties, conservation, AlignGVGD, PolyPhen2, and SIFT) sugg est that the Glu732Lys variant may not impact the protein, though this informati on is not predictive enough to rule out pathogenicity. Additional information is needed to fully assess the clinical significance of the Glu732Lys variant.

PreventionGenetics, part of Exact Sciences
Classification: Uncertain significance for LAMA4-related condition. Last evaluated: 2024-07-29. Review status: no assertion criteria provided. Collection method: clinical testing. Allele origin: germline. Not counted in ClinVar's aggregate classification.
Comment: The LAMA4 c.2194G>A variant is predicted to result in the amino acid substitution p.Glu732Lys. To our knowledge, this variant has not been reported in the literature. This variant is reported in 0.0062% of alleles in individuals of African descent in gnomAD. At this time, the clinical significance of this variant is uncertain due to the absence of conclusive functional and genetic evidence.